The following is an entry in ClinVar:

NM_004304.5(ALK):c.1318T>A (p.Ser440Thr)

Gene: ALK (ALK receptor tyrosine kinase; minus strand). Cytogenetic location: 2p23.2.
Variant type: single nucleotide variant.
Coding change: c.1318T>A on transcript NM_004304.5 (MANE Select); coding-DNA position 1318, T replaced by A.
Protein change: p.Ser440Thr; replaces serine 440 with threonine.
Molecular consequence: missense variant.
Genome position (GRCh38, 1-based): chr2:29,328,446, A>T on the plus strand (T>A on the coding strand, the complement: ALK is on the minus strand). VCF-style: chr2-29328446-A-T. GRCh37 (hg19) VCF-style: chr2-29551312-A-T.
Other names: short protein forms S440T.
Identifiers: ClinVar variation 3523645 (VCV003523645.1).
Genomic context (GRCh38, chr2:29,328,446, plus strand): 5'-CCTGGTGGAAGTCACAGGCCTGCCCAAGCTGGAGGACTGTCCCATTCCAACAAGTGAAGG[A>T]GCTCTGCAGGGCCATCTTGGAGCCTGGGGATGTTCCTGGAGAGCACACAGACACACAACC-3'
Protein context (NP_004295.2, residues 430-450): SPGSKMALQS[Ser440Thr]FTCWNGTVLQ

ClinVar aggregate classification (germline): Uncertain significance (1 of 4 stars; one submission).

Conditions:
Hereditary cancer-predisposing syndrome. Also called: Hereditary Cancer Syndrome; Hereditary neoplastic syndrome; Tumor predisposition; Neoplastic Syndromes, Hereditary. Identifiers: Orphanet 140162, MedGen C0027672, MeSH D009386, MONDO:0015356.

Submission:

Ambry Genetics
Classification: Uncertain significance for Hereditary cancer-predisposing syndrome. Last evaluated: 2024-10-17. Review status: criteria provided, single submitter. Criteria: Ambry Variant Classification Scheme 2023. Collection method: clinical testing. Allele origin: germline.
Comment: The p.S440T variant (also known as c.1318T>A), located in coding exon 6 of the ALK gene, results from a T to A substitution at nucleotide position 1318. The serine at codon 440 is replaced by threonine, an amino acid with similar properties. This amino acid position is conserved. In addition, the in silico prediction for this alteration is inconclusive. Based on the available evidence, the clinical significance of this variant remains unclear.